The following is an entry in ClinVar:

NM_001005373.4(LRSAM1):c.1604A>C (p.Glu535Ala)

Gene: LRSAM1 (leucine rich repeat and sterile alpha motif containing 1; plus strand). Cytogenetic location: 9q33.3.
Variant type: single nucleotide variant.
Coding change: c.1604A>C on transcript NM_001005373.4 (MANE Select); coding-DNA position 1604, A replaced by C.
Protein change: p.Glu535Ala; replaces glutamic acid 535 with alanine.
Molecular consequence: missense variant. On other transcripts: non-coding transcript variant (2), intron variant (1).
Genome position (GRCh38, 1-based): chr9:127,495,324, A>C. VCF-style: chr9-127495324-A-C. GRCh37 (hg19) VCF-style: chr9-130257603-A-C.
Other names: c.1604A>C, p.Glu535Ala (NM_001005374.4, NM_001384142.1, NM_138361.5); c.1523A>C, p.Glu508Ala (NM_001190723.3); c.815A>C, p.Glu272Ala (NM_001384144.1); c.1600-640A>C (NM_001384143.1); short protein forms E272A, E508A, E535A.
Identifiers: ClinVar variation 3702566 (VCV003702566.3).
Genomic context (GRCh38, chr9:127,495,324, plus strand): 5'-TATTACAGGTTTTATTACCATTTTGTGACTAACATTGCCTGCTTCATTCCTGGCAGACGG[A>C]GTTAGAAGCCAAAAGTGAAACCAGGCAGGAAAATTACTGGCTGATTCAGTATCAACGGCT-3'
Protein context (NP_001005373.1, residues 525-545): REEELREILT[Glu535Ala]LEAKSETRQE

ClinVar aggregate classification (germline): Uncertain significance. Review status: criteria provided, multiple submitters, no conflicts (2 of 4 stars). 2 submissions from 2 submitters: Uncertain significance (2). Last evaluated 2025-01-01.

Conditions:
Charcot-Marie-Tooth disease axonal type 2P. Also called: CHARCOT-MARIE-TOOTH NEUROPATHY, TYPE 2P; CHARCOT-MARIE-TOOTH DISEASE, AXONAL, TYPE 2G; CMT 2G; Charcot-Marie-Tooth Neuropathy Type 2G. Identifiers: Orphanet 300319, Orphanet 99941, MedGen C3280797, MONDO:0013753, OMIM 614436.

gnomAD v4.1: 2 of 1,613,850 alleles (0.00012%); highest among the groups gnomAD compares: Non-Finnish European, 0.00017%; no homozygotes.

Submissions (2):

Labcorp Genetics (formerly Invitae), Labcorp
Classification: Uncertain significance for Charcot-Marie-Tooth disease axonal type 2P. Last evaluated: 2025-01-01. Review status: criteria provided, single submitter. Criteria: Invitae Variant Classification Sherloc (09022015). Collection method: clinical testing. Allele origin: germline.
Comment: This sequence change replaces glutamic acid, which is acidic and polar, with alanine, which is neutral and non-polar, at codon 535 of the LRSAM1 protein (p.Glu535Ala). This variant is present in population databases (rs776299591, gnomAD 0.0009%). This variant has not been reported in the literature in individuals affected with LRSAM1-related conditions. Invitae Evidence Modeling of protein sequence and biophysical properties (such as structural, functional, and spatial information, amino acid conservation, physicochemical variation, residue mobility, and thermodynamic stability) indicates that this missense variant is not expected to disrupt LRSAM1 protein function with a negative predictive value of 80%. In summary, the available evidence is currently insufficient to determine the role of this variant in disease. Therefore, it has been classified as a Variant of Uncertain Significance.

Blueprint Genetics
Classification: Uncertain significance. Last evaluated: 2024-08-02. Review status: criteria provided, single submitter. Criteria: ACMG Guidelines, 2015. Collection method: clinical testing. Allele origin: germline.